The following is an entry in ClinVar:

NM_031263.4(HNRNPK):c.229del (p.Ser77fs)

Genes: HNRNPK-AS1 (HNRNPK antisense RNA 1; plus strand), HNRNPK (heterogeneous nuclear ribonucleoprotein K; minus strand). Cytogenetic location: 9q21.32.
Variant type: Deletion.
Coding change: c.229del on transcript NM_031263.4 (MANE Select); coding-DNA position 229, one base deleted (T; older notation c.229delT).
Protein change: p.Ser77fs; shifts the reading frame from serine 77.
Molecular consequence: frameshift variant.
Genome position (GRCh38, 1-based): chr9:83,975,490, A deleted on the plus strand (T on the coding strand, the reverse complement: HNRNPK is on the minus strand); the first of 3 consecutive A bases (chr9:83,975,490-83,975,492); deleting any one gives the same sequence. VCF-style (leftmost placement, unchanged base first): chr9-83975489-GA-G. GRCh37 (hg19) VCF-style: chr9-86590404-GA-G.
Other names: c.229del, p.Ser77fs (NM_031262.4, NM_001318186.2, NM_001318187.2 and 2 more transcripts); short protein forms S77fs.
Identifiers: ClinVar variation 426851 (VCV000426851.2), dbSNP rs1085307831, ClinGen allele CA645294051.

ClinVar aggregate classification (germline): Pathogenic (1 of 4 stars; one submission).

Submission:

GeneDx
Classification: Pathogenic. Last evaluated: 2017-03-30. Review status: criteria provided, single submitter. Criteria: GeneDx Variant Classification (06012015). Collection method: clinical testing. Allele origin: germline. Affected: yes.
Comment: The c.229delT variant in the HNRNPK gene has not been reported previously as a pathogenic germline variant nor as a benign variant, to our knowledge. However, it has been reported as a somatic variant in tumor tissue from an individual with enteropathy-associated T-cell lymphoma (Roberti et al., 2016). The c.229delT variant causes a frameshift starting with codon Serine 77, changes this amino acid to a Glutamine residue, and creates a premature Stop codon at position 12 of the new reading frame, denoted p.Ser77GlnfsX12. This variant is predicted to cause loss of normal protein function either through protein truncation or nonsense-mediated mRNA decay. The c.229delTvariant is not observed in large population cohorts (Lek et al., 2016; 1000 Genomes Consortium et al., 2015; Exome Variant Server). We interpret c.229delT as a pathogenic variant